The following is an entry in ClinVar:

ClinVar aggregate classification (germline): Uncertain significance (1 of 4 stars; one submission).

Conditions:
EGFR-related lung cancer (EGFR). Identifiers: MedGen CN130014.

Submission:

Labcorp Genetics (formerly Invitae), Labcorp
Classification: Uncertain significance for EGFR-related lung cancer. Last evaluated: 2023-05-01. Review status: criteria provided, single submitter. Criteria: Invitae Variant Classification Sherloc (09022015). Collection method: clinical testing. Allele origin: germline.
Comment: This sequence change affects codon 493 of the EGFR mRNA. It is a 'silent' change, meaning that it does not change the encoded amino acid sequence of the EGFR protein. This variant is not present in population databases (gnomAD no frequency). This variant has not been reported in the literature in individuals affected with EGFR-related conditions. Algorithms developed to predict the effect of sequence changes on RNA splicing suggest that this variant may disrupt the consensus splice site. In summary, the available evidence is currently insufficient to determine the role of this variant in disease. Therefore, it has been classified as a Variant of Uncertain Significance.

NM_005228.5(EGFR):c.1479C>T (p.Asn493=)

Gene: EGFR (epidermal growth factor receptor; plus strand). Cytogenetic location: 7p11.2.
Variant type: single nucleotide variant.
Coding change: c.1479C>T on transcript NM_005228.5 (MANE Select); coding-DNA position 1479, C replaced by T.
Protein change: p.Asn493=; no amino-acid change (asparagine 493 retained).
Molecular consequence: synonymous variant.
Genome position (GRCh38, 1-based): chr7:55,160,319, C>T. VCF-style: chr7-55160319-C-T. GRCh37 (hg19) VCF-style: chr7-55228012-C-T.
Other names: c.1344C>T, p.Asn448= (NM_001346897.2, NM_001346899.2); c.1479C>T, p.Asn493= (NM_001346898.2, NM_201282.2, NM_201284.2); c.1320C>T, p.Asn440= (NM_001346900.2); c.678C>T, p.Asn226= (NM_001346941.2).
Identifiers: ClinVar variation 2861032 (VCV002861032.3), dbSNP rs2128941728, ClinGen allele CA454970072.